The following is an entry in ClinVar:

ClinVar aggregate classification (germline): Conflicting classifications of pathogenicity. Review status: criteria provided, conflicting classifications (1 of 4 stars). 3 submissions from 3 submitters: Uncertain significance (1); Likely benign (1). 1 of the submissions does not count toward it. Last evaluated 2025-11-24.

Conditions:
PDE10A-related disorder. Also called: PDE10A-related condition.

Allele frequency attached by ClinVar (database versions not stated): gnomAD 0.00003 and 0.00005; TOPMed 0.00005; ExAC 0.00011.
gnomAD v4.1: 96 of 1,500,726 alleles (0.0064%); highest among the groups gnomAD compares: Non-Finnish European, 0.0086%; no homozygotes.

Submissions (3):

Labcorp Genetics (formerly Invitae), Labcorp
Classification: Likely benign. Last evaluated: 2025-11-24. Review status: criteria provided, single submitter. Criteria: Invitae Variant Classification Sherloc (09022015). Collection method: clinical testing. Allele origin: germline.

CeGaT Center for Human Genetics Tuebingen
Classification: Uncertain significance. Last evaluated: 2016-12-01. Review status: criteria provided, single submitter. Criteria: CeGaT Center For Human Genetics Tuebingen Variant Classification Criteria Version 2. Collection method: clinical testing. Allele origin: germline. Affected: yes. Observed: 1 variant allele.

PreventionGenetics, part of Exact Sciences
Classification: Likely benign for PDE10A-related condition. Last evaluated: 2020-01-30. Review status: no assertion criteria provided. Collection method: clinical testing. Allele origin: germline. Not counted in ClinVar's aggregate classification.
Comment: This variant is classified as likely benign based on ACMG/AMP sequence variant interpretation guidelines (Richards et al. 2015 PMID: 25741868, with internal and published modifications).

NM_001385079.1(PDE10A):c.2896-8C>A

Gene: PDE10A (phosphodiesterase 10A; minus strand). Cytogenetic location: 6q27.
Variant type: single nucleotide variant.
Coding change: c.2896-8C>A on transcript NM_001385079.1 (MANE Select); 8 bases into the intron before coding-DNA position 2896, C replaced by A.
Molecular consequence: intron variant.
Genome position (GRCh38, 1-based): chr6:165,339,366, G>T on the plus strand (C>A on the coding strand, the complement: PDE10A is on the minus strand). VCF-style: chr6-165339366-G-T. GRCh37 (hg19) VCF-style: chr6-165752855-G-T.
Other names: c.2098-8C>A (NM_001130690.3, NM_001130690.2); c.2068-8C>A (NM_006661.4).
Identifiers: ClinVar variation 810040 (VCV000810040.48), dbSNP rs754387675, ClinGen allele CA4091981.